The following is an entry in ClinVar:

NM_002160.4(TNC):c.3041G>A (p.Arg1014His)

Gene: TNC (tenascin C; minus strand). Cytogenetic location: 9q33.1.
Variant type: single nucleotide variant.
Coding change: c.3041G>A on transcript NM_002160.4 (MANE Select); coding-DNA position 3041, G replaced by A.
Protein change: p.Arg1014His; replaces arginine 1014 with histidine.
Molecular consequence: missense variant.
Genome position (GRCh38, 1-based): chr9:115,073,776, C>T on the plus strand (G>A on the coding strand, the complement: TNC is on the minus strand). VCF-style: chr9-115073776-C-T. GRCh37 (hg19) VCF-style: chr9-117836055-C-T.
Other names: c.3041G>A, p.Arg1014His (NM_001410991.1, NM_001439065.1, NM_001439066.1 and 35 more transcripts); short protein forms R1014H.
Identifiers: ClinVar variation 4990375 (VCV004990375.1).

ClinVar aggregate classification (germline): Uncertain significance (1 of 4 stars; one submission).

Conditions:
TNC-related disorder. Also called: TNC-related condition.

gnomAD v4.1: 48 of 1,614,008 alleles (0.003%); highest among the groups gnomAD compares: Admixed American, 0.017%; no homozygotes.

Submission:

PreventionGenetics, part of Exact Sciences
Classification: Uncertain significance for TNC-related condition. Last evaluated: 2026-07-16. Review status: criteria provided, single submitter. Criteria: ACMG Guidelines, 2015. Collection method: clinical testing. Allele origin: germline.
Comment: The TNC c.3041G>A variant is predicted to result in the amino acid substitution p.Arg1014His. To our knowledge, this variant has not been reported in the literature. This variant is reported in 0.028% of alleles in individuals of Latino descent in gnomAD. Although we suspect that this variant may be benign, at this time, the clinical significance of this variant is uncertain due to the absence of conclusive functional and genetic evidence.